The following is an entry in ClinVar:

ClinVar aggregate classification (germline): Conflicting classifications of pathogenicity. Review status: criteria provided, conflicting classifications (1 of 4 stars). 3 submissions from 3 submitters: Pathogenic (1); Likely pathogenic (1); Uncertain significance (1). Last evaluated 2022-11-03.

Conditions:
Hereditary cancer-predisposing syndrome. Also called: Hereditary neoplastic syndrome; Neoplastic Syndromes, Hereditary; Tumor predisposition; Hereditary Cancer Syndrome. Identifiers: Orphanet 140162, MedGen C0027672, MeSH D009386, MONDO:0015356.
Nijmegen breakage syndrome-like disorder (NBSLD). Also called: MICROCEPHALY AND SPONTANEOUS CHROMOSOME INSTABILITY WITHOUT IMMUNODEFICIENCY; NBS-LIKE DISORDER; RAD50 DEFICIENCY. Identifiers: Orphanet 240760, MedGen C2751318, MONDO:0013118, OMIM 613078.

Submissions (3):

Ambry Genetics
Classification: Uncertain significance for Hereditary cancer-predisposing syndrome. Last evaluated: 2022-11-03. Review status: criteria provided, single submitter. Criteria: Ambry Variant Classification Scheme 2023. Collection method: clinical testing. Allele origin: germline.
Comment: The c.3763delA variant, located in coding exon 25 of the RAD50 gene, results from a deletion of one nucleotide at nucleotide position 3763, causing a translational frameshift with a predicted alternate stop codon (p.S1255Vfs*12). This alteration occurs at the 3' terminus of the RAD50 gene, is not expected to trigger nonsense-mediated mRNAdecay, and only impacts the last 4.4% of the protein. The exact functional effect of this alteration is unknown. Since supporting evidence is limited at this time, the clinical significance of this alteration remains unclear.

Labcorp Genetics (formerly Invitae), Labcorp
Classification: Likely pathogenic for Hereditary cancer-predisposing syndrome. Last evaluated: 2022-04-07. Review status: criteria provided, single submitter. Criteria: Invitae Variant Classification Sherloc (09022015). Collection method: clinical testing. Allele origin: germline.
Comment: This variant has not been reported in the literature in individuals affected with RAD50-related conditions. ClinVar contains an entry for this variant (Variation ID: 1323516). This variant disrupts the ATPase-C domain, which is important for RAD50 ATPase activity (PMID: 10892749, 24894818). While functional studies have not been performed to directly test the effect of this variant on RAD50 protein function, this suggests that disruption of this region of the protein is causative of disease. In summary, the currently available evidence indicates that the variant is pathogenic, but additional data are needed to prove that conclusively. Therefore, this variant has been classified as Likely Pathogenic. This sequence change creates a premature translational stop signal (p.Ser1255Valfs*12) in the RAD50 gene. While this is not anticipated to result in nonsense mediated decay, it is expected to disrupt the last 58 amino acid(s) of the RAD50 protein. This variant is present in population databases (rs760621534, gnomAD 0.003%).

Revvity Omics, Revvity
Classification: Pathogenic for Nijmegen breakage syndrome-like disorder. Last evaluated: 2020-10-09. Review status: criteria provided, single submitter. Criteria: ACMG Guidelines, 2015. Collection method: clinical testing. Allele origin: germline.

Literature cited by the submitters: PubMed 10892749 (cited by Labcorp Genetics (formerly Invitae), Labcorp); PubMed 24894818 (cited by Labcorp Genetics (formerly Invitae), Labcorp).

NM_005732.4(RAD50):c.3763del (p.Ser1255fs)

Genes: TH2-LCR (Th2 cytokine locus control region; plus strand), TH2LCRR (T helper type 2 locus control region associated RNA; minus strand), RAD50 (RAD50 double strand break repair protein; plus strand). Cytogenetic location: 5q31.1.
Variant type: Deletion.
Coding change: c.3763del on transcript NM_005732.4 (MANE Select); coding-DNA position 3763, one base deleted (A; older notation c.3763delA).
Protein change: p.Ser1255fs; shifts the reading frame from serine 1255.
Molecular consequence: frameshift variant.
Genome position (GRCh38, 1-based): chr5:132,642,188, A deleted; the last of 5 consecutive A bases (chr5:132,642,184-132,642,188); deleting any one gives the same sequence. VCF-style (leftmost placement, unchanged base first): chr5-132642183-TA-T. GRCh37 (hg19) VCF-style: chr5-131977875-TA-T.
Other names: c.3763delA (NM_005732.3); short protein forms S1255fs.
Identifiers: ClinVar variation 1323516 (VCV001323516.10), dbSNP rs760621534, ClinGen allele CA3405678.